The following is an entry in ClinVar:

ClinVar aggregate classification (germline): Uncertain significance (1 of 4 stars; one submission).

gnomAD v4.1: 2 of 1,613,584 alleles (0.00012%); highest among the groups gnomAD compares: Admixed American, 0.0017%; no homozygotes.

Submission:

Labcorp Genetics (formerly Invitae), Labcorp
Classification: Uncertain significance. Last evaluated: 2025-04-20. Review status: criteria provided, single submitter. Criteria: Invitae Variant Classification Sherloc (09022015). Collection method: clinical testing. Allele origin: germline.
Comment: This sequence change falls in intron 10 of the CUL3 gene. It does not directly change the encoded amino acid sequence of the CUL3 protein. It affects a nucleotide within the consensus splice site. This variant is present in population databases (rs369004949, gnomAD 0.003%). This variant has not been reported in the literature in individuals affected with CUL3-related conditions. ClinVar contains an entry for this variant (Variation ID: 3691994). Variants that disrupt the consensus splice site are a relatively common cause of aberrant splicing (PMID: 17576681, 9536098). Algorithms developed to predict the effect of sequence changes on RNA splicing suggest that this variant is not likely to affect RNA splicing. In summary, the available evidence is currently insufficient to determine the role of this variant in disease. Therefore, it has been classified as a Variant of Uncertain Significance.

Literature cited by the submitters: PubMed 17576681; PubMed 9536098.

NM_003590.5(CUL3):c.1486-3T>C

Gene: CUL3 (cullin 3; minus strand). Cytogenetic location: 2q36.2.
Variant type: single nucleotide variant.
Coding change: c.1486-3T>C on transcript NM_003590.5 (MANE Select); 3 bases into the intron before coding-DNA position 1486, T replaced by C.
Molecular consequence: intron variant.
Genome position (GRCh38, 1-based): chr2:224,500,490, A>G on the plus strand (T>C on the coding strand, the complement: CUL3 is on the minus strand). VCF-style: chr2-224500490-A-G. GRCh37 (hg19) VCF-style: chr2-225365207-A-G.
Other names: c.1288-3T>C (NM_001257197.2); c.1504-3T>C (NM_001257198.2).
Identifiers: ClinVar variation 3691994 (VCV003691994.2).